The following is an entry in ClinVar:

NM_006618.5(KDM5B):c.1775A>G (p.Gln592Arg)

Gene: KDM5B (lysine demethylase 5B; minus strand). Cytogenetic location: 1q32.1.
Variant type: single nucleotide variant.
Coding change: c.1775A>G on transcript NM_006618.5 (MANE Select); coding-DNA position 1775, A replaced by G.
Protein change: p.Gln592Arg; replaces glutamine 592 with arginine.
Molecular consequence: missense variant.
Genome position (GRCh38, 1-based): chr1:202,750,705, T>C on the plus strand (A>G on the coding strand, the complement: KDM5B is on the minus strand). VCF-style: chr1-202750705-T-C. GRCh37 (hg19) VCF-style: chr1-202719833-T-C.
Other names: c.1883A>G, p.Gln628Arg (NM_001314042.2); c.1640A>G, p.Gln547Arg (NM_001347591.2); c.1760A>G, p.Gln587Arg (NM_001399817.1); short protein forms Q587R, Q628R, Q547R, Q592R.
Identifiers: ClinVar variation 4745189 (VCV004745189.1).
Genomic context (GRCh38, chr1:202,750,705, plus strand): 5'-TTGTAATTACATACCCAATCAACAGTGCAGAAGTTAACAGCCTCAGCAAAATTAAAACCC[T>C]GGTTAAAACCACTGTGGTAGGCTCTTGGAAATGTAATCACAAACTCCCCAGCACACTGAT-3'
Protein context (NP_006609.3, residues 582-602): FPRAYHSGFN[Gln592Arg]GFNFAEAVNF

ClinVar aggregate classification (germline): Uncertain significance (1 of 4 stars; one submission).

Submission:

Labcorp Genetics (formerly Invitae), Labcorp
Classification: Uncertain significance. Last evaluated: 2025-11-11. Review status: criteria provided, single submitter. Criteria: Invitae Variant Classification Sherloc (09022015). Collection method: clinical testing. Allele origin: germline.
Comment: This sequence change replaces glutamine, which is neutral and polar, with arginine, which is basic and polar, at codon 592 of the KDM5B protein (p.Gln592Arg). This variant is not present in population databases (gnomAD no frequency). This variant has not been reported in the literature in individuals affected with KDM5B-related conditions. Invitae Evidence Modeling of protein sequence and biophysical properties (such as structural, functional, and spatial information, amino acid conservation, physicochemical variation, residue mobility, and thermodynamic stability) indicates that this missense variant is expected to disrupt KDM5B protein function with a positive predictive value of 80%. In summary, the available evidence is currently insufficient to determine the role of this variant in disease. Therefore, it has been classified as a Variant of Uncertain Significance.